The following is an entry in ClinVar:

ClinVar aggregate classification (germline): Uncertain significance (1 of 4 stars; one submission).

Submission:

Laboratory for Molecular Medicine, Mass General Brigham Personalized Medicine
Classification: Uncertain significance. Last evaluated: 2014-09-25. Review status: criteria provided, single submitter. Criteria: LMM Criteria. Collection method: clinical testing. Allele origin: germline. Observed: 1 variant allele.
Comment: Variant classified as Uncertain Significance - Favor Benign. The Thr16510Ala var iant in TTN has not been previously reported in individuals with cardiomyopathy or in large population studies. Computational prediction tools and conservation analysis do not provide strong support for or against an impact to the protein. However, 3 fish (tetradon, zebrafish, Mexican tetra) have an alanine (Ala) at th is position suggesting that this change may be tolerated. In summary, while the clinical significance of the Thr16510Ala variant is uncertain, the presence of t he variant amino acid in multiple other species suggests that it is more likely to be benign.

NM_001267550.2(TTN):c.57232A>G (p.Thr19078Ala)

Genes: TTN (titin; minus strand), TTN-AS1 (TTN antisense RNA 1; plus strand). Cytogenetic location: 2q31.2.
Variant type: single nucleotide variant.
Coding change: c.57232A>G on transcript NM_001267550.2 (MANE Select); coding-DNA position 57232, A replaced by G.
Protein change: p.Thr19078Ala; replaces threonine 19078 with alanine.
Molecular consequence: missense variant.
Genome position (GRCh38, 1-based): chr2:178,597,938, T>C on the plus strand (A>G on the coding strand, the complement: TTN is on the minus strand). VCF-style: chr2-178597938-T-C. GRCh37 (hg19) VCF-style: chr2-179462665-T-C.
Other names: c.49528A>G, p.Thr16510Ala (NM_133378.4); c.52309A>G, p.Thr17437Ala (NM_001256850.1); c.30037A>G, p.Thr10013Ala (NM_003319.4); c.30412A>G, p.Thr10138Ala (NM_133432.3); c.30613A>G, p.Thr10205Ala (NM_133437.4); short protein forms T16510A, T19078A, T10013A, T10138A, T10205A, T17437A.
Identifiers: ClinVar variation 165955 (VCV000165955.16), dbSNP rs727503593, ClinGen allele CA178679.